The following is an entry in ClinVar:

ClinVar aggregate classification (germline): Pathogenic (1 of 4 stars; one submission).

Conditions:
Primary ciliary dyskinesia. Also called: Ciliary dyskinesia. Identifiers: Orphanet 244, MedGen C0008780, MONDO:0016575, HP:0012265.

Submission:

Labcorp Genetics (formerly Invitae), Labcorp
Classification: Pathogenic for Primary ciliary dyskinesia. Last evaluated: 2023-11-16. Review status: criteria provided, single submitter. Criteria: Invitae Variant Classification Sherloc (09022015). Collection method: clinical testing. Allele origin: germline.
Comment: This sequence change creates a premature translational stop signal (p.Trp250*) in the DNAH11 gene. It is expected to result in an absent or disrupted protein product. Loss-of-function variants in DNAH11 are known to be pathogenic (PMID: 18022865, 20513915, 22184204). This variant is not present in population databases (gnomAD no frequency). This variant has not been reported in the literature in individuals affected with DNAH11-related conditions. For these reasons, this variant has been classified as Pathogenic.

Literature cited by the submitters: PubMed 18022865; PubMed 20513915; PubMed 22184204.

NM_001277115.2(DNAH11):c.749G>A (p.Trp250Ter)

Gene: DNAH11 (dynein axonemal heavy chain 11; plus strand). Cytogenetic location: 7p15.3.
Variant type: single nucleotide variant.
Coding change: c.749G>A on transcript NM_001277115.2 (MANE Select); coding-DNA position 749, G replaced by A.
Protein change: p.Trp250Ter; replaces tryptophan 250 with a stop codon.
Molecular consequence: nonsense.
Genome position (GRCh38, 1-based): chr7:21,559,659, G>A. VCF-style: chr7-21559659-G-A. GRCh37 (hg19) VCF-style: chr7-21599277-G-A.
Other names: c.749G>A, p.Trp250Ter (NM_003777.3); short protein forms W250*.
Identifiers: ClinVar variation 2868411 (VCV002868411.3), dbSNP rs2534464142, ClinGen allele CA366932802.